The following is an entry in ClinVar:

ClinVar aggregate classification (germline): Conflicting classifications of pathogenicity. Review status: criteria provided, conflicting classifications (1 of 4 stars). 3 submissions from 3 submitters: Uncertain significance (2); Likely benign (1). Last evaluated 2025-05-21.

Conditions:
Hereditary cancer-predisposing syndrome. Also called: Hereditary Cancer Syndrome; Tumor predisposition; Hereditary neoplastic syndrome; Neoplastic Syndromes, Hereditary. Identifiers: Orphanet 140162, MedGen C0027672, MeSH D009386, MONDO:0015356.

Allele frequency attached by ClinVar (database versions not stated): gnomAD exomes 0.00001 and 0.00003; gnomAD 0.00008 and 0.00009; TOPMed 0.00009.
gnomAD v4.1: 20 of 1,613,224 alleles (0.0012%); highest among the groups gnomAD compares: Admixed American, 0.033%; no homozygotes.

Submissions (3):

Labcorp Genetics (formerly Invitae), Labcorp
Classification: Uncertain significance. Last evaluated: 2025-05-21. Review status: criteria provided, single submitter. Criteria: Invitae Variant Classification Sherloc (09022015). Collection method: clinical testing. Allele origin: germline.
Comment: This sequence change replaces alanine, which is neutral and non-polar, with threonine, which is neutral and polar, at codon 668 of the POLE protein (p.Ala668Thr). This variant is present in population databases (no rsID available, gnomAD 0.02%). This variant has not been reported in the literature in individuals affected with POLE-related conditions. ClinVar contains an entry for this variant (Variation ID: 645062). Invitae Evidence Modeling of protein sequence and biophysical properties (such as structural, functional, and spatial information, amino acid conservation, physicochemical variation, residue mobility, and thermodynamic stability) indicates that this missense variant is not expected to disrupt POLE protein function with a negative predictive value of 80%. In summary, the available evidence is currently insufficient to determine the role of this variant in disease. Therefore, it has been classified as a Variant of Uncertain Significance.

Ambry Genetics
Classification: Likely benign for Hereditary cancer-predisposing syndrome. Last evaluated: 2024-10-17. Review status: criteria provided, single submitter. Criteria: Ambry Variant Classification Scheme 2023. Collection method: clinical testing. Allele origin: germline.

GeneDx
Classification: Uncertain significance. Last evaluated: 2024-03-01. Review status: criteria provided, single submitter. Criteria: GeneDx Variant Classification Process June 2021. Collection method: clinical testing. Allele origin: germline. Affected: yes.
Comment: In silico analysis supports that this missense variant does not alter protein structure/function; Has not been previously published as pathogenic or benign to our knowledge; This variant is associated with the following publications: (PMID: 20951805)

NM_006231.4(POLE):c.2002G>A (p.Ala668Thr)

Gene: POLE (DNA polymerase epsilon, catalytic subunit; minus strand). Cytogenetic location: 12q24.33.
Variant type: single nucleotide variant.
Coding change: c.2002G>A on transcript NM_006231.4 (MANE Select); coding-DNA position 2002, G replaced by A.
Protein change: p.Ala668Thr; replaces alanine 668 with threonine.
Molecular consequence: missense variant.
Genome position (GRCh38, 1-based): chr12:132,668,659, C>T on the plus strand (G>A on the coding strand, the complement: POLE is on the minus strand). VCF-style: chr12-132668659-C-T. GRCh37 (hg19) VCF-style: chr12-133245245-C-T.
Other names: short protein forms A668T.
Identifiers: ClinVar variation 645062 (VCV000645062.15), dbSNP rs1397310290, ClinGen allele CA387354772.